The following is an entry in ClinVar:

ClinVar aggregate classification (germline): Uncertain significance (1 of 4 stars; one submission).

Conditions:
Mitochondrial trifunctional protein deficiency. Identifiers: Orphanet 746, MedGen C1969443, MONDO:0012172.
Long chain 3-hydroxyacyl-CoA dehydrogenase deficiency. Also called: Deficiency of long-chain 3-hydroxyacyl-coenzyme A dehydrogenase; LCHAD Deficiency. Identifiers: Orphanet 5, MedGen C3711645, MONDO:0012173, OMIM 609016.

Allele frequency attached by ClinVar (database versions not stated): gnomAD exomes below 0.00001; ExAC 0.00001.

Submission:

Labcorp Genetics (formerly Invitae), Labcorp
Classification: Uncertain significance for Mitochondrial trifunctional protein deficiency; Long chain 3-hydroxyacyl-CoA dehydrogenase deficiency. Last evaluated: 2022-02-09. Review status: criteria provided, single submitter. Criteria: Invitae Variant Classification Sherloc (09022015). Collection method: clinical testing. Allele origin: germline.
Comment: In summary, the available evidence is currently insufficient to determine the role of this variant in disease. Therefore, it has been classified as a Variant of Uncertain Significance. Algorithms developed to predict the effect of sequence changes on RNA splicing suggest that this variant may create or strengthen a splice site. Algorithms developed to predict the effect of missense changes on protein structure and function are either unavailable or do not agree on the potential impact of this missense change (SIFT: "Deleterious"; PolyPhen-2: "Probably Damaging"; Align-GVGD: "Class C0"). This variant has not been reported in the literature in individuals affected with HADHA-related conditions. This variant is present in population databases (rs757845324, gnomAD 0.0009%). This sequence change replaces lysine, which is basic and polar, with arginine, which is basic and polar, at codon 350 of the HADHA protein (p.Lys350Arg).

NM_000182.5(HADHA):c.1049A>G (p.Lys350Arg)

Gene: HADHA (hydroxyacyl-CoA dehydrogenase trifunctional multienzyme complex subunit alpha; minus strand). Cytogenetic location: 2p23.3.
Variant type: single nucleotide variant.
Coding change: c.1049A>G on transcript NM_000182.5 (MANE Select); coding-DNA position 1049, A replaced by G.
Protein change: p.Lys350Arg; replaces lysine 350 with arginine.
Molecular consequence: missense variant.
Genome position (GRCh38, 1-based): chr2:26,209,816, T>C on the plus strand (A>G on the coding strand, the complement: HADHA is on the minus strand). VCF-style: chr2-26209816-T-C. GRCh37 (hg19) VCF-style: chr2-26432685-T-C.
Other names: short protein forms K350R.
Identifiers: ClinVar variation 1411170 (VCV001411170.6), dbSNP rs757845324, ClinGen allele CA1559686.
Genomic context (GRCh38, chr2:26,209,816, plus strand): 5'-CTTCCTACGTAGAGTTTAACTTACTTAACATCCTTCTGTGGAGCTCCAAATTTATTCTTC[T>C]TGCACAGGACCTGACCATGGTAGAGTCCCATCAAGGCCTTTGATTCTTTGGTCATTACAA-3'
Protein context (NP_000173.2, residues 340-360): MGLYHGQVLC[Lys350Arg]KNKFGAPQKD